The following is an entry in ClinVar:

NM_000038.6(APC):c.4142C>T (p.Pro1381Leu)

Gene: APC (APC regulator of Wnt signaling pathway; plus strand). Cytogenetic location: 5q22.2.
Variant type: single nucleotide variant.
Coding change: c.4142C>T on transcript NM_000038.6 (MANE Select); coding-DNA position 4142, C replaced by T.
Protein change: p.Pro1381Leu; replaces proline 1381 with leucine.
Molecular consequence: missense variant.
Genome position (GRCh38, 1-based): chr5:112,839,736, C>T. VCF-style: chr5-112839736-C-T. GRCh37 (hg19) VCF-style: chr5-112175433-C-T.
Other names: c.4142C>T, p.Pro1381Leu (NM_001127510.3, NM_001354895.2, NM_001407450.1); c.4088C>T, p.Pro1363Leu (NM_001127511.3); c.4196C>T, p.Pro1399Leu (NM_001354896.2, NM_001407447.1, NM_001407448.1 and 1 more transcripts); c.4172C>T, p.Pro1391Leu (NM_001354897.2); c.4121C>T, p.Pro1374Leu (NM_001407451.1); c.4112C>T, p.Pro1371Leu (NM_001407452.1); c.3965C>T, p.Pro1322Leu (NM_001407453.1, NM_001354901.2); c.3893C>T, p.Pro1298Leu (NM_001407454.1, NM_001407455.1, NM_001407456.1 and 1 more transcripts); and 11 more; short protein forms P1363L, P1371L, P1374L, P997L, P1098L, P1322L, P1391L, P1409L.
Identifiers: ClinVar variation 1738176 (VCV001738176.2), dbSNP rs2149907480, ClinGen allele CA16030405.
Genomic context (GRCh38, chr5:112,839,736, plus strand): 5'-CCTCCAAAAGTGGTGCTCAGACACCCAAAAGTCCACCTGAACACTATGTTCAGGAGACCC[C>T]ACTCATGTTTAGCAGATGTACTTCTGTCAGTTCACTTGATAGTTTTGAGAGTCGTTCGAT-3'
Protein context (NP_000029.2, residues 1371-1391): SPPEHYVQET[Pro1381Leu]LMFSRCTSVS

ClinVar aggregate classification (germline): Uncertain significance (1 of 4 stars; one submission).

Conditions:
Hereditary cancer-predisposing syndrome. Also called: Neoplastic Syndromes, Hereditary; Tumor predisposition; Hereditary Cancer Syndrome; Hereditary neoplastic syndrome. Identifiers: Orphanet 140162, MedGen C0027672, MeSH D009386, MONDO:0015356.

Submission:

Ambry Genetics
Classification: Uncertain significance for Hereditary cancer-predisposing syndrome. Last evaluated: 2024-02-13. Review status: criteria provided, single submitter. Criteria: Ambry Variant Classification Scheme 2023. Collection method: clinical testing. Allele origin: germline.
Comment: The p.P1381L variant (also known as c.4142C>T), located in coding exon 15 of the APC gene, results from a C to T substitution at nucleotide position 4142. The proline at codon 1381 is replaced by leucine, an amino acid with similar properties. This amino acid position is highly conserved in available vertebrate species. In addition, in silico predictors for this gene do not accurately predict pathogenicity. Based on the available evidence, the clinical significance of this alteration remains unclear.